The following is an entry in ClinVar:

ClinVar aggregate classification (germline): Uncertain significance. Review status: criteria provided, multiple submitters, no conflicts (2 of 4 stars). 2 submissions from 2 submitters: Uncertain significance (2). Last evaluated 2023-05-22.

Conditions:
Tuberous sclerosis 2 (TSC2). Identifiers: Orphanet 805, MedGen C1860707, MONDO:0013199, OMIM 613254.
Hereditary cancer-predisposing syndrome. Also called: Tumor predisposition; Hereditary neoplastic syndrome; Neoplastic Syndromes, Hereditary; Hereditary Cancer Syndrome. Identifiers: Orphanet 140162, MedGen C0027672, MeSH D009386, MONDO:0015356.

gnomAD v4.1: 1 of 1,614,236 alleles (0.000062%); highest among the groups gnomAD compares: Admixed American, 0.0017%; no homozygotes.

Submissions (2):

Labcorp Genetics (formerly Invitae), Labcorp
Classification: Uncertain significance for Tuberous sclerosis 2. Last evaluated: 2023-05-22. Review status: criteria provided, single submitter. Criteria: Invitae Variant Classification Sherloc (09022015). Collection method: clinical testing. Allele origin: germline.
Comment: This variant has not been reported in the literature in individuals affected with TSC2-related conditions. This variant is not present in population databases (gnomAD no frequency). This sequence change replaces valine, which is neutral and non-polar, with alanine, which is neutral and non-polar, at codon 181 of the TSC2 protein (p.Val181Ala). In summary, the available evidence is currently insufficient to determine the role of this variant in disease. Therefore, it has been classified as a Variant of Uncertain Significance. Advanced modeling of protein sequence and biophysical properties (such as structural, functional, and spatial information, amino acid conservation, physicochemical variation, residue mobility, and thermodynamic stability) performed at Invitae indicates that this missense variant is not expected to disrupt TSC2 protein function. ClinVar contains an entry for this variant (Variation ID: 2497446).

Ambry Genetics
Classification: Uncertain significance for Hereditary cancer-predisposing syndrome. Last evaluated: 2023-03-08. Review status: criteria provided, single submitter. Criteria: Ambry Variant Classification Scheme 2023. Collection method: clinical testing. Allele origin: germline.
Comment: The p.V181A variant (also known as c.542T>C), located in coding exon 5 of the TSC2 gene, results from a T to C substitution at nucleotide position 542. The valine at codon 181 is replaced by alanine, an amino acid with similar properties. This amino acid position is conserved. In addition, this alteration is predicted to be deleterious by in silico analysis. Since supporting evidence is limited at this time, the clinical significance of this alteration remains unclear.

NM_000548.5(TSC2):c.542T>C (p.Val181Ala)

Gene: TSC2 (TSC complex subunit 2; plus strand). Cytogenetic location: 16p13.3.
Variant type: single nucleotide variant.
Coding change: c.542T>C on transcript NM_000548.5 (MANE Select); coding-DNA position 542, T replaced by C.
Protein change: p.Val181Ala; replaces valine 181 with alanine.
Molecular consequence: missense variant. On other transcripts: 5 prime UTR variant (13), non-coding transcript variant (5), intron variant (6).
Genome position (GRCh38, 1-based): chr16:2,055,462, T>C. VCF-style: chr16-2055462-T-C. GRCh37 (hg19) VCF-style: chr16-2105463-T-C.
Other names: c.542T>C, p.Val181Ala (NM_001077183.3, NM_001114382.3, NM_001363528.2 and 8 more transcripts); c.431T>C, p.Val144Ala (NM_001318827.2, NM_001406670.1, NM_001406678.1); c.395T>C, p.Val132Ala (NM_001318829.2, NM_001406675.1, NM_001406676.1 and 1 more transcripts); c.575T>C, p.Val192Ala (NM_001318832.2); c.632T>C, p.Val211Ala (NM_001406667.1, NM_001406668.1); c.485T>C, p.Val162Ala (NM_001406677.1); c.-275T>C (NM_001406680.1, NM_001406683.1, NM_001406687.1); c.80T>C, p.Val27Ala (NM_001406681.1); and 6 more; short protein forms V132A, V144A, V162A, V27A, V181A, V192A, V211A.
Identifiers: ClinVar variation 2497446 (VCV002497446.5), dbSNP rs982250014, ClinGen allele CA276771998.